The following is an entry in ClinVar:

NM_201384.3(PLEC):c.6700C>T (p.Arg2234Cys)

Gene: PLEC (plectin; minus strand). Cytogenetic location: 8q24.3.
Variant type: single nucleotide variant.
Coding change: c.6700C>T on transcript NM_201384.3 (MANE Select); coding-DNA position 6700, C replaced by T.
Protein change: p.Arg2234Cys; replaces arginine 2234 with cysteine.
Molecular consequence: missense variant. On other transcripts: intron variant (1).
Genome position (GRCh38, 1-based): chr8:143,923,229, G>A on the plus strand (C>T on the coding strand, the complement: PLEC is on the minus strand). VCF-style: chr8-143923229-G-A. GRCh37 (hg19) VCF-style: chr8-144997397-G-A.
Other names: c.6781C>T, p.Arg2261Cys (NM_000445.5); c.6658C>T, p.Arg2220Cys (NM_201378.4); c.6634C>T, p.Arg2212Cys (NM_201379.3); c.7111C>T, p.Arg2371Cys (NM_201380.4); c.6604C>T, p.Arg2202Cys (NM_201381.3); c.6700C>T, p.Arg2234Cys (NM_201382.4); c.6712C>T, p.Arg2238Cys (NM_201383.3); c.4126-834C>T (NM_001410941.1); short protein forms R2212C, R2261C, R2371C, R2234C, R2202C, R2238C, R2220C.
Identifiers: ClinVar variation 2549953 (VCV002549953.5), dbSNP rs782319175, ClinGen allele CA4925894.

ClinVar aggregate classification (germline): Uncertain significance. Review status: criteria provided, multiple submitters, no conflicts (2 of 4 stars). 2 submissions from 2 submitters: Uncertain significance (2). Last evaluated 2023-08-29.

Conditions:
Autosomal recessive limb-girdle muscular dystrophy type 2Q (LGMDR17). Also called: MUSCULAR DYSTROPHY, LIMB-GIRDLE, AUTOSOMAL RECESSIVE 17. Identifiers: Orphanet 254361, MedGen C3150989, MONDO:0013390, OMIM 613723.
Epidermolysis bullosa simplex 5C, with pyloric atresia (EBS5C). Also called: PLEC1-Related Epidermolysis Bullosa with Pyloric Atresia; PLEC-Related Epidermolysis Bullosa with Pyloric Atresia; Epidermolysis bullosa simplex with pyloric atresia. Identifiers: Orphanet 158684, MedGen C2677349, MONDO:0012807, OMIM 612138.
Epidermolysis bullosa simplex 5B, with muscular dystrophy (EBS5B). Also called: EPIDERMOLYSIS BULLOSA SIMPLEX AND LIMB-GIRDLE MUSCULAR DYSTROPHY; Epidermolysis bullosa simplex with muscular dystrophy. Identifiers: Orphanet 257, MedGen C2931072, MONDO:0009181, OMIM 226670.
Epidermolysis bullosa simplex, Ogna type (EBS5A). Also called: Pidermolysis bullosa simplex 5A, Ogna type; EPIDERMOLYSIS BULLOSA SIMPLEX 5A, OGNA TYPE. Identifiers: Orphanet 79401, MedGen C0432317, MONDO:0007555, OMIM 131950.
Epidermolysis bullosa simplex with nail dystrophy (EBS5D). Identifiers: MedGen C4225309, MONDO:0014661, OMIM 616487.
Inborn genetic diseases. Identifiers: MedGen C0950123, MeSH D030342.

Allele frequency attached by ClinVar (database versions not stated): TOPMed below 0.00001; gnomAD 0.00001; ExAC 0.00002.
gnomAD v4.1: 23 of 1,603,300 alleles (0.0014%); highest among the groups gnomAD compares: Non-Finnish European, 0.0014%; no homozygotes.

Submissions (2):

Labcorp Genetics (formerly Invitae), Labcorp
Classification: Uncertain significance for Autosomal recessive limb-girdle muscular dystrophy type 2Q; Epidermolysis bullosa simplex, Ogna type; Epidermolysis bullosa simplex with nail dystrophy; Epidermolysis bullosa simplex 5C, with pyloric atresia; Epidermolysis bullosa simplex 5B, with muscular dystrophy. Last evaluated: 2023-08-29. Review status: criteria provided, single submitter. Criteria: Invitae Variant Classification Sherloc (09022015). Collection method: clinical testing. Allele origin: germline.
Comment: In summary, the available evidence is currently insufficient to determine the role of this variant in disease. Therefore, it has been classified as a Variant of Uncertain Significance. An algorithm developed to predict the effect of missense changes on protein structure and function (PolyPhen-2) suggests that this variant is likely to be disruptive. ClinVar contains an entry for this variant (Variation ID: 2549953). This variant has not been reported in the literature in individuals affected with PLEC-related conditions. This variant is present in population databases (rs782319175, gnomAD 0.01%). This sequence change replaces arginine, which is basic and polar, with cysteine, which is neutral and slightly polar, at codon 2261 of the PLEC protein (p.Arg2261Cys).

Ambry Genetics
Classification: Uncertain significance for Inborn genetic diseases. Last evaluated: 2023-05-23. Review status: criteria provided, single submitter. Criteria: Ambry Variant Classification Scheme 2023. Collection method: clinical testing. Allele origin: germline.